The following is an entry in ClinVar:

NM_024408.4(NOTCH2):c.2113C>T (p.Arg705Cys)

Gene: NOTCH2 (notch receptor 2; minus strand). Cytogenetic location: 1p12.
Variant type: single nucleotide variant.
Coding change: c.2113C>T on transcript NM_024408.4 (MANE Select); coding-DNA position 2113, C replaced by T.
Protein change: p.Arg705Cys; replaces arginine 705 with cysteine.
Molecular consequence: missense variant.
Genome position (GRCh38, 1-based): chr1:119,955,146, G>A on the plus strand (C>T on the coding strand, the complement: NOTCH2 is on the minus strand). VCF-style: chr1-119955146-G-A. GRCh37 (hg19) VCF-style: chr1-120497769-G-A.
Other names: c.2113C>T, p.Arg705Cys (NM_001200001.2); short protein forms R705C.
Identifiers: ClinVar variation 2962554 (VCV002962554.4), dbSNP rs1417773889, ClinGen allele CA341866570.

ClinVar aggregate classification (germline): Uncertain significance. Review status: criteria provided, multiple submitters, no conflicts (2 of 4 stars). 2 submissions from 2 submitters: Uncertain significance (2). Last evaluated 2025-05-18.

Conditions:
Alagille syndrome due to a NOTCH2 point mutation. Also called: Alagille syndrome 2. Identifiers: Orphanet 261629, Orphanet 52, MedGen C1857761, MONDO:0012439, OMIM 610205.
Hajdu-Cheney syndrome (HJCYS). Also called: SERPENTINE FIBULA-POLYCYSTIC KIDNEY SYNDROME; ACROOSTEOLYSIS WITH OSTEOPOROSIS AND CHANGES IN SKULL AND MANDIBLE; Acroosteolysis dominant type. Identifiers: Orphanet 955, MedGen C0917715, MONDO:0007057, OMIM 102500.

Allele frequency attached by ClinVar (database versions not stated): gnomAD exomes 0.00001; gnomAD 0.00002; TOPMed 0.00002.
gnomAD v4.1: 12 of 1,613,998 alleles (0.00074%); highest among the groups gnomAD compares: African/African-American, 0.0027%; no homozygotes.

Submissions (2):

Labcorp Genetics (formerly Invitae), Labcorp
Classification: Uncertain significance for Hajdu-Cheney syndrome. Last evaluated: 2025-05-18. Review status: criteria provided, single submitter. Criteria: Invitae Variant Classification Sherloc (09022015). Collection method: clinical testing. Allele origin: germline.
Comment: This sequence change replaces arginine, which is basic and polar, with cysteine, which is neutral and slightly polar, at codon 705 of the NOTCH2 protein (p.Arg705Cys). This variant is present in population databases (no rsID available, gnomAD 0.01%). This variant has not been reported in the literature in individuals affected with NOTCH2-related conditions. ClinVar contains an entry for this variant (Variation ID: 2962554). Invitae Evidence Modeling of protein sequence and biophysical properties (such as structural, functional, and spatial information, amino acid conservation, physicochemical variation, residue mobility, and thermodynamic stability) indicates that this missense variant is expected to disrupt NOTCH2 protein function with a positive predictive value of 95%. In summary, the available evidence is currently insufficient to determine the role of this variant in disease. Therefore, it has been classified as a Variant of Uncertain Significance.

Fulgent Genetics
Classification: Uncertain significance for Hajdu-Cheney syndrome; Alagille syndrome due to a NOTCH2 point mutation. Last evaluated: 2024-04-19. Review status: criteria provided, single submitter. Criteria: ACMG Guidelines, 2015. Collection method: clinical testing. Allele origin: germline.